The following is an entry in ClinVar:

NM_152594.3(SPRED1):c.314G>T (p.Ser105Ile)

Gene: SPRED1 (sprouty related EVH1 domain containing 1; plus strand). Cytogenetic location: 15q14.
Variant type: single nucleotide variant.
Coding change: c.314G>T on transcript NM_152594.3 (MANE Select); coding-DNA position 314, G replaced by T.
Protein change: p.Ser105Ile; replaces serine 105 with isoleucine.
Molecular consequence: missense variant.
Genome position (GRCh38, 1-based): chr15:38,322,347, G>T. VCF-style: chr15-38322347-G-T. GRCh37 (hg19) VCF-style: chr15-38614548-G-T.
Other names: short protein forms S105I.
Identifiers: ClinVar variation 1470738 (VCV001470738.8), dbSNP rs1895620929, ClinGen allele CA391932129.
Genomic context (GRCh38, chr15:38,322,347, plus strand): 5'-TCACTCCAACATTTCACCACTGGAAGATTGATGACAAGAAGTTTGGTCTTACGTTTCAAA[G>T]TCCTGCTGATGCTAGGGCTTTTGATAGAGGTATCCGAAGAGCTATAGAGGATATTTCTCA-3'
Protein context (NP_689807.1, residues 95-115): DDKKFGLTFQ[Ser105Ile]PADARAFDRG

ClinVar aggregate classification (germline): Uncertain significance (1 of 4 stars; one submission).

Conditions:
Legius syndrome. Identifiers: Orphanet 137605, MedGen C1969623, MONDO:0012669, OMIM 611431. Disease mechanism: loss of function.

Submission:

Labcorp Genetics (formerly Invitae), Labcorp
Classification: Uncertain significance for Legius syndrome. Last evaluated: 2024-04-06. Review status: criteria provided, single submitter. Criteria: Invitae Variant Classification Sherloc (09022015). Collection method: clinical testing. Allele origin: germline.
Comment: This sequence change replaces serine, which is neutral and polar, with isoleucine, which is neutral and non-polar, at codon 105 of the SPRED1 protein (p.Ser105Ile). This variant is not present in population databases (gnomAD no frequency). This variant has not been reported in the literature in individuals affected with SPRED1-related conditions. ClinVar contains an entry for this variant (Variation ID: 1470738). Advanced modeling of protein sequence and biophysical properties (such as structural, functional, and spatial information, amino acid conservation, physicochemical variation, residue mobility, and thermodynamic stability) performed at Invitae indicates that this missense variant is expected to disrupt SPRED1 protein function with a positive predictive value of 80%. In summary, the available evidence is currently insufficient to determine the role of this variant in disease. Therefore, it has been classified as a Variant of Uncertain Significance.